The following is an entry in ClinVar:

NM_145068.4(TRPV3):c.*186G>A

Genes: SPATA22 (spermatogenesis associated 22; minus strand), TRPV3 (transient receptor potential cation channel subfamily V member 3; minus strand). Cytogenetic location: 17p13.2.
Variant type: single nucleotide variant.
Coding change: c.*186G>A on transcript NM_145068.4 (MANE Select); 186 bases downstream of the stop codon, G replaced by A.
Molecular consequence: 3 prime UTR variant. On other transcripts: 5 prime UTR variant (2).
Genome position (GRCh38, 1-based): chr17:3,513,731, C>T on the plus strand (G>A on the coding strand, the complement: TRPV3 is on the minus strand). VCF-style: chr17-3513731-C-T. GRCh37 (hg19) VCF-style: chr17-3417025-C-T.
Other names: c.*186G>A (NM_001258205.2); c.-393G>A (NM_001321336.2, NM_001321337.2).
Identifiers: ClinVar variation 892231 (VCV000892231.6), dbSNP rs375326175, ClinGen allele CA286988744.

ClinVar aggregate classification (germline): Benign (1 of 4 stars; one submission).

Conditions:
Isolated focal non-epidermolytic palmoplantar keratoderma. Also called: Palmoplantar keratoderma, nonepidermolytic, focal 2. Identifiers: Orphanet 448264, MedGen C4225339, MONDO:0014622, OMIM 616400.

Allele frequency attached by ClinVar (database versions not stated): 1000 Genomes Project 30x 0.00094; gnomAD exomes 0.00012; gnomAD 0.00076 and 0.00071; TOPMed 0.00092; 1000 Genomes Project 0.00120.
gnomAD v4.1: 154 of 517,092 alleles (0.03%); highest among the groups gnomAD compares: African/African-American, 0.24%; no homozygotes.

Submission:

Illumina Laboratory Services, Illumina
Classification: Benign for Isolated focal non-epidermolytic palmoplantar keratoderma. Last evaluated: 2018-01-13. Review status: criteria provided, single submitter. Criteria: ICSL Variant Classification Criteria 13 December 2019. Collection method: clinical testing. Allele origin: germline.
Comment: This variant was observed in the ICSL laboratory as part of a predisposition screen in an ostensibly healthy population. It had not been previously curated by ICSL or reported in the Human Gene Mutation Database (HGMD: prior to June 1st, 2018), and was therefore a candidate for classification through an automated scoring system. Utilizing variant allele frequency, disease prevalence and penetrance estimates, and inheritance mode, an automated score was calculated to assess if this variant is too frequent to cause the disease. Based on the score and internal cut-off values, a variant classified as benign is not then subjected to further curation. The score for this variant resulted in a classification of benign for this disease.